The following is an entry in ClinVar:

ClinVar aggregate classification (germline): Uncertain significance. Review status: criteria provided, multiple submitters, no conflicts (2 of 4 stars). 2 submissions from 2 submitters: Uncertain significance (2). Last evaluated 2025-01-06.

Allele frequency attached by ClinVar (database versions not stated): TOPMed 0.00003.
gnomAD v4.1: 3 of 1,614,210 alleles (0.00019%); highest among the groups gnomAD compares: Admixed American, 0.005%; no homozygotes.

Submissions (2):

Labcorp Genetics (formerly Invitae), Labcorp
Classification: Uncertain significance. Last evaluated: 2025-01-06. Review status: criteria provided, single submitter. Criteria: Invitae Variant Classification Sherloc (09022015). Collection method: clinical testing. Allele origin: germline.
Comment: This sequence change replaces histidine, which is basic and polar, with arginine, which is basic and polar, at codon 498 of the SULF1 protein (p.His498Arg). This variant is present in population databases (no rsID available, gnomAD 0.006%). This variant has not been reported in the literature in individuals affected with SULF1-related conditions. ClinVar contains an entry for this variant (Variation ID: 1987793). An algorithm developed to predict the effect of missense changes on protein structure and function (PolyPhen-2) suggests that this variant is likely to be tolerated. In summary, the available evidence is currently insufficient to determine the role of this variant in disease. Therefore, it has been classified as a Variant of Uncertain Significance.

Ambry Genetics
Classification: Uncertain significance. Last evaluated: 2024-05-20. Review status: criteria provided, single submitter. Criteria: Ambry Variant Classification Scheme 2023. Collection method: clinical testing. Allele origin: germline.

NM_001128205.2(SULF1):c.1493A>G (p.His498Arg)

Gene: SULF1 (sulfatase 1; plus strand). Cytogenetic location: 8q13.3.
Variant type: single nucleotide variant.
Coding change: c.1493A>G on transcript NM_001128205.2 (MANE Select); coding-DNA position 1493, A replaced by G.
Protein change: p.His498Arg; replaces histidine 498 with arginine.
Molecular consequence: missense variant. On other transcripts: non-coding transcript variant (3).
Genome position (GRCh38, 1-based): chr8:69,621,150, A>G. VCF-style: chr8-69621150-A-G. GRCh37 (hg19) VCF-style: chr8-70533385-A-G.
Other names: c.1493A>G, p.His498Arg (NM_001128204.2, NM_001128206.2, NM_001412828.1 and 10 more transcripts); c.1364A>G, p.His455Arg (NM_001412832.1, NM_001412838.1, NM_001412839.1 and 1 more transcripts); c.1436A>G, p.His479Arg (NM_001412836.1, NM_001412837.1); c.1307A>G, p.His436Arg (NM_001412841.1, NM_001412842.1); c.893A>G, p.His298Arg (NM_001412844.1, NM_001412845.1); c.-299A>G (NM_001412846.1); c.1493A>G (NM_001128205.1); short protein forms H298R, H436R, H479R, H455R, H498R.
Identifiers: ClinVar variation 1987793 (VCV001987793.5), dbSNP rs1031552344, ClinGen allele CA178303444.